The following is an entry in ClinVar:

ClinVar aggregate classification (germline): Conflicting classifications of pathogenicity. Review status: criteria provided, conflicting classifications (1 of 4 stars). 9 submissions from 8 submitters: Uncertain significance (1); Benign (3); Likely benign (4). 1 of the submissions does not count toward it. Last evaluated 2026-01-07.

Conditions:
Familial hypobetalipoproteinemia 1. Also called: Hypobetalipoproteinemia, normotriglyceridemic; Acanthocytosis with hypobetalipoproteinemia; APOB-Related Familial Hypobetalipoproteinemia. Identifiers: MedGen C4551990, MONDO:0014252, OMIM 615558.
Cardiovascular phenotype. Identifiers: MedGen CN230736.
Hypercholesterolemia, autosomal dominant, type B (FHCL2). Also called: Familial hypercholesterolemia 2; APOB-Related Familial Hypercholesterolemia, Autosomal Dominant; HYPERCHOLESTEROLEMIA, FAMILIAL, DUE TO LIGAND-DEFECTIVE APOLIPOPROTEIN B; Hyperlipoproteinemia Type IIb; Familial Hypercholesterolemia Type B; APOLIPOPROTEIN B-100, FAMILIAL DEFECTIVE. Identifiers: MedGen C1704417, MONDO:0007751, OMIM 144010.
APOB-related disorder. Also called: APOB-related condition; APOB-related disorders.
Familial hypercholesterolemia. Also called: Familial hypercholesterolemias; Familial hypercholesterolaemia. Identifiers: MedGen C0020445, MONDO:0005439.

Allele frequency attached by ClinVar (database versions not stated): gnomAD exomes 0.00058 and 0.00021; ExAC 0.00068; ESP Exome Variant Server 0.00154; gnomAD 0.00212 and 0.00222; TOPMed 0.00236; 1000 Genomes Project 0.00300; 1000 Genomes Project 30x 0.00328.
gnomAD v4.1: 620 of 1,614,074 alleles (0.038%); highest among the groups gnomAD compares: African/African-American, 0.74%; 1 homozygote.

Submissions (9):

Labcorp Genetics (formerly Invitae), Labcorp
Classification: Benign for Familial hypobetalipoproteinemia 1; Hypercholesterolemia, autosomal dominant, type B. Last evaluated: 2026-01-07. Review status: criteria provided, single submitter. Criteria: Invitae Variant Classification Sherloc (09022015). Collection method: clinical testing. Allele origin: germline.

Molecular Diagnostic Laboratory for Inherited Cardiovascular Disease, Montreal Heart Institute
Classification: Benign. Last evaluated: 2025-04-09. Review status: criteria provided, single submitter. Criteria: ACMG Guidelines, 2015. Collection method: clinical testing. Allele origin: germline. Affected: no.
Comment: BS1;BP4;BP5;BP6

Genomic Medicine Center of Excellence, King Faisal Specialist Hospital and Research Centre
Classification: Likely benign for Familial hypobetalipoproteinemia 1. Last evaluated: 2024-09-22. Review status: criteria provided, single submitter. Criteria: ACMG Guidelines, 2015. Collection method: clinical testing. Allele origin: germline.

ARUP Laboratories, Molecular Genetics and Genomics, ARUP Laboratories
Classification: Likely benign. Last evaluated: 2024-04-24. Review status: criteria provided, single submitter. Criteria: ARUP Molecular Germline Variant Investigation Process 2024. Collection method: clinical testing. Allele origin: germline.

GENinCode PLC
Classification: Benign for Familial hypercholesterolemia. Last evaluated: 2022-06-20. Review status: criteria provided, single submitter. Criteria: ACMG Guidelines, 2015. Collection method: clinical testing. Allele origin: germline.

Ambry Genetics
Classification: Likely benign for Cardiovascular phenotype. Last evaluated: 2018-05-30. Review status: criteria provided, single submitter. Criteria: Ambry Variant Classification Scheme 2023. Collection method: clinical testing. Allele origin: germline.

Illumina Laboratory Services, Illumina
Classification: Likely benign for Hypercholesterolemia, autosomal dominant, type B. Last evaluated: 2017-04-27. Review status: criteria provided, single submitter. Criteria: ICSL Variant Classification Criteria 13 December 2019. Collection method: clinical testing. Allele origin: germline.
Comment: This variant was observed as part of a predisposition screen in an ostensibly healthy population. A literature search was performed for the gene, cDNA change, and amino acid change (where applicable). No publications were found based on this search. Allele frequency data from public databases allowed determination this variant is unlikely to cause disease. Therefore, this variant is classified as likely benign.

Illumina Laboratory Services, Illumina
Classification: Uncertain significance for Familial hypobetalipoproteinemia 1. Last evaluated: 2017-04-27. Review status: criteria provided, single submitter. Criteria: ICSL Variant Classification Criteria 13 December 2019. Collection method: clinical testing. Allele origin: germline.
Comment: This variant was observed as part of a predisposition screen in an ostensibly healthy population. A literature search was performed for the gene, cDNA change, and amino acid change (where applicable). Publications were found based on this search. However, the evidence from the literature, in combination with allele frequency data from public databases where available, was not sufficient to rule this variant in or out of causing disease. Therefore, this variant is classified as a variant of unknown significance.

PreventionGenetics, part of Exact Sciences
Classification: Likely benign for APOB-related condition. Last evaluated: 2023-02-16. Review status: no assertion criteria provided. Collection method: clinical testing. Allele origin: germline. Not counted in ClinVar's aggregate classification.
Comment: This variant is classified as likely benign based on ACMG/AMP sequence variant interpretation guidelines (Richards et al. 2015 PMID: 25741868, with internal and published modifications).

Literature cited by the submitters: PubMed 20592474 (cited by Illumina Laboratory Services, Illumina).

NM_000384.3(APOB):c.12803T>C (p.Met4268Thr)

Gene: APOB (apolipoprotein B; minus strand). Cytogenetic location: 2p24.1.
Variant type: single nucleotide variant.
Coding change: c.12803T>C on transcript NM_000384.3 (MANE Select); coding-DNA position 12803, T replaced by C.
Protein change: p.Met4268Thr; replaces methionine 4268 with threonine.
Molecular consequence: missense variant.
Genome position (GRCh38, 1-based): chr2:21,002,619, A>G on the plus strand (T>C on the coding strand, the complement: APOB is on the minus strand). VCF-style: chr2-21002619-A-G. GRCh37 (hg19) VCF-style: chr2-21225491-A-G.
Other names: short protein forms M4268T.
Identifiers: ClinVar variation 544116 (VCV000544116.28), dbSNP rs72654422, ClinGen allele CA051163.